The following is an entry in ClinVar:

NM_005148.4(UNC119):c.416G>A (p.Arg139His)

Gene: UNC119 (unc-119 lipid binding chaperone; minus strand). Cytogenetic location: 17q11.2.
Variant type: single nucleotide variant.
Coding change: c.416G>A on transcript NM_005148.4 (MANE Select); coding-DNA position 416, G replaced by A.
Protein change: p.Arg139His; replaces arginine 139 with histidine.
Molecular consequence: missense variant.
Genome position (GRCh38, 1-based): chr17:28,548,020, C>T on the plus strand (G>A on the coding strand, the complement: UNC119 is on the minus strand). VCF-style: chr17-28548020-C-T. GRCh37 (hg19) VCF-style: chr17-26875038-C-T.
Other names: c.131G>A, p.Arg44His (NM_001330166.2); c.416G>A, p.Arg139His (NM_054035.2); short protein forms R139H, R44H.
Identifiers: ClinVar variation 851556 (VCV000851556.7), dbSNP rs201337554, ClinGen allele CA8459805.

ClinVar aggregate classification (germline): Uncertain significance (1 of 4 stars; one submission).

Allele frequency attached by ClinVar (database versions not stated): TOPMed 0.00007; 1000 Genomes Project 0.00020; ExAC 0.00006; 1000 Genomes Project 30x 0.00047.
gnomAD v4.1: 75 of 1,613,832 alleles (0.0046%); highest among the groups gnomAD compares: East Asian, 0.12%; no homozygotes.

Submission:

Labcorp Genetics (formerly Invitae), Labcorp
Classification: Uncertain significance. Last evaluated: 2023-03-08. Review status: criteria provided, single submitter. Criteria: Invitae Variant Classification Sherloc (09022015). Collection method: clinical testing. Allele origin: germline.
Comment: In summary, the available evidence is currently insufficient to determine the role of this variant in disease. Therefore, it has been classified as a Variant of Uncertain Significance. An algorithm developed to predict the effect of missense changes on protein structure and function (PolyPhen-2) suggests that this variant is likely to be tolerated. ClinVar contains an entry for this variant (Variation ID: 851556). This sequence change replaces arginine, which is basic and polar, with histidine, which is basic and polar, at codon 139 of the UNC119 protein (p.Arg139His). This variant is present in population databases (rs201337554, gnomAD 0.09%), and has an allele count higher than expected for a pathogenic variant. This missense change has been observed in individual(s) with clinical features of inherited retinal dystrophy (PMID: 31106028).

Literature cited by the submitters: PubMed 31106028.